The following is an entry in ClinVar:

NM_053025.4(MYLK):c.2407T>C (p.Cys803Arg)

Gene: MYLK (myosin light chain kinase; minus strand). Cytogenetic location: 3q21.1.
Variant type: single nucleotide variant.
Coding change: c.2407T>C on transcript NM_053025.4 (MANE Select); coding-DNA position 2407, T replaced by C.
Protein change: p.Cys803Arg; replaces cysteine 803 with arginine.
Molecular consequence: missense variant.
Genome position (GRCh38, 1-based): chr3:123,701,493, A>G on the plus strand (T>C on the coding strand, the complement: MYLK is on the minus strand). VCF-style: chr3-123701493-A-G. GRCh37 (hg19) VCF-style: chr3-123420340-A-G.
Other names: c.1879T>C, p.Cys627Arg (NM_001321309.2); c.2200T>C, p.Cys734Arg (NM_053026.4, NM_053028.4); c.2407T>C, p.Cys803Arg (NM_053027.4); short protein forms C803R, C627R, C734R.
Identifiers: ClinVar variation 626513 (VCV000626513.6), dbSNP rs1373697705, ClinGen allele CA354232736.
Genomic context (GRCh38, chr3:123,701,493, plus strand): 5'-CTCACCGTGGAAGGGCTCTGGCAGAGCTGTTCTGTAGCATCAGTGACACCTGGCAACTGC[A>G]TTCGCCAACCCGGTTCCTGAAGAATTCCAAAGATCAATAAAGATCAAGAGGCCCTCTGGG-3'
Protein context (NP_444253.3, residues 793-813): EILLKNRVGE[Cys803Arg]SCQVSLMLQN

ClinVar aggregate classification (germline): Uncertain significance. Review status: criteria provided, multiple submitters, no conflicts (2 of 4 stars). 4 submissions from 4 submitters: Uncertain significance (4). Last evaluated 2026-03-19.

Conditions:
Familial thoracic aortic aneurysm and aortic dissection (TAAD). Also called: Thoracic aortic aneurysms and dissections. Identifiers: Orphanet 91387, MedGen C4707243, MONDO:0019625.
MYLK-related disorder. Also called: MYLK-related condition.
Aortic aneurysm, familial thoracic 7 (AAT7). Also called: AORTIC DISSECTION, FAMILIAL, WITH OR WITHOUT AORTIC ANEURYSM. Identifiers: MedGen C3151077, MONDO:0013418, OMIM 613780.

Allele frequency attached by ClinVar (database versions not stated): gnomAD exomes 0.00001; TOPMed 0.00001; gnomAD 0.00002.
gnomAD v4.1: 8 of 1,613,940 alleles (0.0005%); highest among the groups gnomAD compares: South Asian, 0.0011%; no homozygotes.

Submissions (4):

PreventionGenetics, part of Exact Sciences
Classification: Uncertain significance for MYLK-related condition. Last evaluated: 2026-03-19. Review status: criteria provided, single submitter. Criteria: ACMG Guidelines, 2015. Collection method: clinical testing. Allele origin: germline.
Comment: The MYLK c.2407T>C variant is predicted to result in the amino acid substitution p.Cys803Arg. To our knowledge, this variant has not been reported in the literature. This variant is reported in 0.0033% of alleles in individuals of South Asian descent in gnomAD. At this time, the clinical significance of this variant is uncertain due to the absence of conclusive functional and genetic evidence.

Labcorp Genetics (formerly Invitae), Labcorp
Classification: Uncertain significance for Aortic aneurysm, familial thoracic 7. Last evaluated: 2024-10-21. Review status: criteria provided, single submitter. Criteria: Invitae Variant Classification Sherloc (09022015). Collection method: clinical testing. Allele origin: germline.
Comment: This sequence change replaces cysteine, which is neutral and slightly polar, with arginine, which is basic and polar, at codon 803 of the MYLK protein (p.Cys803Arg). This variant is present in population databases (no rsID available, gnomAD 0.003%). This variant has not been reported in the literature in individuals affected with MYLK-related conditions. ClinVar contains an entry for this variant (Variation ID: 626513). Invitae Evidence Modeling of protein sequence and biophysical properties (such as structural, functional, and spatial information, amino acid conservation, physicochemical variation, residue mobility, and thermodynamic stability) indicates that this missense variant is not expected to disrupt MYLK protein function with a negative predictive value of 80%. In summary, the available evidence is currently insufficient to determine the role of this variant in disease. Therefore, it has been classified as a Variant of Uncertain Significance.

Ambry Genetics
Classification: Uncertain significance for Familial thoracic aortic aneurysm and aortic dissection. Last evaluated: 2024-05-17. Review status: criteria provided, single submitter. Criteria: Ambry Variant Classification Scheme 2023. Collection method: clinical testing. Allele origin: germline.
Comment: The p.C803R variant (also known as c.2407T>C), located in coding exon 14 of the MYLK gene, results from a T to C substitution at nucleotide position 2407. The cysteine at codon 803 is replaced by arginine, an amino acid with highly dissimilar properties. This amino acid position is conserved. In addition, the in silico prediction for this alteration is inconclusive. Based on the available evidence, the clinical significance of this variant remains unclear.

CHEO Genetics Diagnostic Laboratory, Children's Hospital of Eastern Ontario
Classification: Uncertain significance for Familial thoracic aortic aneurysm and aortic dissection. Last evaluated: 2017-05-12. Review status: criteria provided, single submitter. Criteria: ACMG Guidelines, 2015. Collection method: clinical testing. Allele origin: germline. Study: Canadian Open Genetics Repository.